The following is an entry in ClinVar:

NM_000020.3(ACVRL1):c.1285del (p.Val429fs)

Gene: ACVRL1 (activin A receptor like type 1; plus strand). Cytogenetic location: 12q13.13.
Variant type: Deletion.
Coding change: c.1285del on transcript NM_000020.3 (MANE Select); coding-DNA position 1285, one base deleted (G; older notation c.1285delG).
Protein change: p.Val429fs; shifts the reading frame from valine 429.
Molecular consequence: frameshift variant.
Genome position (GRCh38, 1-based): chr12:51,919,023, G deleted; the last of 2 consecutive G bases (chr12:51,919,022-51,919,023); deleting either gives the same sequence. VCF-style (leftmost placement, unchanged base first): chr12-51919021-TG-T. GRCh37 (hg19) VCF-style: chr12-52312805-TG-T.
Other names: c.1285del, p.Val429fs (NM_001077401.2, NM_001406487.1, NM_001406488.1 and 1 more transcripts); c.1129del, p.Val377fs (NM_001406490.1); c.973del, p.Val325fs (NM_001406491.1, NM_001406492.1, NM_001406493.1); c.775del, p.Val259fs (NM_001406494.1); c.721del, p.Val241fs (NM_001406495.1); short protein forms V259fs, V325fs, V241fs, V377fs, V429fs.
Identifiers: ClinVar variation 4733597 (VCV004733597.1).

ClinVar aggregate classification (germline): Pathogenic (1 of 4 stars; one submission).

Conditions:
Telangiectasia, hereditary hemorrhagic, type 2 (HHT2). Also called: Telangiectasia, hereditary hemorrhagic, type II; ACVRL1-Related Hereditary Hemorrhagic Telangiectasia. Identifiers: Orphanet 774, MedGen C1838163, MONDO:0010880, OMIM 600376. Disease mechanism: loss of function.

Submission:

Labcorp Genetics (formerly Invitae), Labcorp
Classification: Pathogenic for Telangiectasia, hereditary hemorrhagic, type 2. Last evaluated: 2025-12-19. Review status: criteria provided, single submitter. Criteria: Invitae Variant Classification Sherloc (09022015). Collection method: clinical testing. Allele origin: germline.
Comment: This sequence change creates a premature translational stop signal (p.Val429Cysfs*10) in the ACVRL1 gene. It is expected to result in an absent or disrupted protein product. Loss-of-function variants in ACVRL1 are known to be pathogenic (PMID: 15879500). This variant is not present in population databases (gnomAD no frequency). This variant has not been reported in the literature in individuals affected with ACVRL1-related conditions. For these reasons, this variant has been classified as Pathogenic.

Literature cited by the submitters: PubMed 15879500.